The following is an entry in ClinVar:

NM_198490.3(RAB43):c.389-1250T>G

Genes: ISY1-RAB43 (ISY1-RAB43 readthrough; minus strand), RAB43 (RAB43, member RAS oncogene family; minus strand). Cytogenetic location: 3q21.3.
Variant type: single nucleotide variant.
Coding change: c.389-1250T>G on transcript NM_198490.3 (MANE Select); 1250 bases into the intron before coding-DNA position 389, T replaced by G.
Molecular consequence: intron variant.
Genome position (GRCh38, 1-based): chr3:129,092,596, A>C on the plus strand (T>G on the coding strand, the complement: RAB43 is on the minus strand). VCF-style: chr3-129092596-A-C. GRCh37 (hg19) VCF-style: chr3-128811439-A-C.
Other names: c.389-1250T>G (NM_001204885.1, NM_001204883.2, NM_001204884.2 and 1 more transcripts); c.*48-1250T>G (NM_001204888.2); c.389-3T>G (NM_001204887.2); c.*40-1250T>G (NM_001204890.2).
Identifiers: ClinVar variation 3054713 (VCV003054713.2), dbSNP rs763654966, ClinGen allele CA82567573.

ClinVar aggregate classification (germline): Likely benign (0 of 4 stars; one submission).

Conditions:
RAB43-related disorder. Also called: RAB43-related condition.

Allele frequency attached by ClinVar (database versions not stated): TOPMed 0.00015; gnomAD 0.00017; gnomAD exomes 0.00017.
gnomAD v4.1: 114 of 668,612 alleles (0.017%); highest among the groups gnomAD compares: Non-Finnish European, 0.026%; no homozygotes.

Submission:

PreventionGenetics, part of Exact Sciences
Classification: Likely benign for RAB43-related condition. Last evaluated: 2022-03-08. Review status: no assertion criteria provided. Collection method: clinical testing. Allele origin: germline.
Comment: This variant is classified as likely benign based on ACMG/AMP sequence variant interpretation guidelines (Richards et al. 2015 PMID: 25741868, with internal and published modifications).